The following is an entry in ClinVar:

NM_001033855.3(DCLRE1C):c.1438C>T (p.Gln480Ter)

Gene: DCLRE1C (DNA cross-link repair 1C; minus strand). Cytogenetic location: 10p13.
Variant type: single nucleotide variant.
Coding change: c.1438C>T on transcript NM_001033855.3 (MANE Select); coding-DNA position 1438, C replaced by T.
Protein change: p.Gln480Ter; replaces glutamine 480 with a stop codon.
Molecular consequence: nonsense. On other transcripts: non-coding transcript variant (4).
Genome position (GRCh38, 1-based): chr10:14,909,049, G>A on the plus strand (C>T on the coding strand, the complement: DCLRE1C is on the minus strand). VCF-style: chr10-14909049-G-A. GRCh37 (hg19) VCF-style: chr10-14951048-G-A.
Other names: c.1078C>T, p.Gln360Ter (NM_001033857.3, NM_001033858.3, NM_001289077.2 and 2 more transcripts); c.1093C>T, p.Gln365Ter (NM_001289076.2, NM_001289078.2, NM_001350966.2 and 1 more transcripts); c.1438C>T, p.Gln480Ter (NM_001350965.2); short protein forms Q365*, Q360*, Q480*.
Identifiers: ClinVar variation 2833544 (VCV002833544.3), dbSNP rs2491631758, ClinGen allele CA376075598.
Genomic context (GRCh38, chr10:14,909,049, plus strand): 5'-TGATTTCATCATTTCTTTTAAAGAATACTTCCCACTGGGGTACATCCCCATCAGCCTTTT[G>A]CAGGTGAAGTACAGAGCCCAGATCTCCTTGCAGTGAAGCTGGGATTCCTACTTCTTCTTC-3'

ClinVar aggregate classification (germline): Pathogenic (1 of 4 stars; one submission).

Conditions:
Severe combined immunodeficiency due to DCLRE1C deficiency (RS-SCID). Also called: SCID, AUTOSOMAL RECESSIVE, T CELL-NEGATIVE, B CELL-NEGATIVE, NK CELL-POSITIVE, WITH SENSITIVITY TO IONIZING RADIATION. Identifiers: Orphanet 275, MedGen C1865371, MONDO:0011225, OMIM 602450.

Submission:

Labcorp Genetics (formerly Invitae), Labcorp
Classification: Pathogenic for Athabaskan severe combined immunodeficiency. Last evaluated: 2023-02-01. Review status: criteria provided, single submitter. Criteria: Invitae Variant Classification Sherloc (09022015). Collection method: clinical testing. Allele origin: germline.
Comment: For these reasons, this variant has been classified as Pathogenic. This variant disrupts a region of the DCLRE1C protein in which other variant(s) (p.Thr557Asnfs*21) have been determined to be pathogenic (PMID: 26476407). This suggests that this is a clinically significant region of the protein, and that variants that disrupt it are likely to be disease-causing. This variant has not been reported in the literature in individuals affected with DCLRE1C-related conditions. This variant is not present in population databases (gnomAD no frequency). This sequence change creates a premature translational stop signal (p.Gln480*) in the DCLRE1C gene. While this is not anticipated to result in nonsense mediated decay, it is expected to disrupt the last 213 amino acid(s) of the DCLRE1C protein.

Literature cited by the submitters: PubMed 26476407.